The following is an entry in ClinVar:

NM_022437.3(ABCG8):c.949C>A (p.Pro317Thr)

Gene: ABCG8 (ATP binding cassette subfamily G member 8; plus strand). Cytogenetic location: 2p21.
Variant type: single nucleotide variant.
Coding change: c.949C>A on transcript NM_022437.3 (MANE Select); coding-DNA position 949, C replaced by A.
Protein change: p.Pro317Thr; replaces proline 317 with threonine.
Molecular consequence: missense variant.
Genome position (GRCh38, 1-based): chr2:43,852,853, C>A. VCF-style: chr2-43852853-C-A. GRCh37 (hg19) VCF-style: chr2-44079992-C-A.
Other names: p.Pro317Thr; c.949C>A (NM_022437.2); c.949C>A, p.Pro317Thr (NM_001357321.2); short protein forms P317T.
Identifiers: ClinVar variation 501340 (VCV000501340.7), dbSNP rs762542767, ClinGen allele CA1637214.

ClinVar aggregate classification (germline): Uncertain significance. Review status: criteria provided, multiple submitters, no conflicts (2 of 4 stars). 3 submissions from 3 submitters: Uncertain significance (3). Last evaluated 2025-07-25.

Conditions:
Cardiovascular phenotype. Identifiers: MedGen CN230736.

Allele frequency attached by ClinVar (database versions not stated): TOPMed 0.00003; ExAC 0.00002; gnomAD 0.00002.

Submissions (3):

Mayo Clinic Laboratories, Mayo Clinic
Classification: Uncertain significance. Last evaluated: 2025-07-25. Review status: criteria provided, single submitter. Criteria: ACMG Guidelines, 2015. Collection method: clinical testing. Allele origin: germline. Observed: 1 variant allele.
Comment: PP3_moderate, PM2_supporting

Ambry Genetics
Classification: Uncertain significance for Cardiovascular phenotype. Last evaluated: 2024-05-05. Review status: criteria provided, single submitter. Criteria: Ambry Variant Classification Scheme 2023. Collection method: clinical testing. Allele origin: germline.
Comment: The p.P317T variant (also known as c.949C>A), located in coding exon 6 of the ABCG8 gene, results from a C to A substitution at nucleotide position 949. The proline at codon 317 is replaced by threonine, an amino acid with highly similar properties. This amino acid position is conserved. In addition, this alteration is predicted to be deleterious by in silico analysis. Based on the available evidence, the clinical significance of this variant remains unclear.

Eurofins Ntd Llc (ga)
Classification: Uncertain significance. Last evaluated: 2017-04-10. Review status: criteria provided, single submitter. Criteria: EGL Classification Definitions 2015. Collection method: clinical testing. Allele origin: germline. Observed: 1 variant allele, 1 heterozygote.